The following is an entry in ClinVar:

NM_020919.4(ALS2):c.3094C>T (p.Arg1032Cys)

Gene: ALS2 (alsin Rho guanine nucleotide exchange factor ALS2; minus strand). Cytogenetic location: 2q33.1.
Variant type: single nucleotide variant.
Coding change: c.3094C>T on transcript NM_020919.4 (MANE Select); coding-DNA position 3094, C replaced by T.
Protein change: p.Arg1032Cys; replaces arginine 1032 with cysteine.
Molecular consequence: missense variant.
Genome position (GRCh38, 1-based): chr2:201,726,752, G>A on the plus strand (C>T on the coding strand, the complement: ALS2 is on the minus strand). VCF-style: chr2-201726752-G-A. GRCh37 (hg19) VCF-style: chr2-202591475-G-A.
Other names: short protein forms R1032C.
Identifiers: ClinVar variation 1477900 (VCV001477900.5), dbSNP rs1054031459, ClinGen allele CA63940393.

ClinVar aggregate classification (germline): Uncertain significance (1 of 4 stars; one submission).

Conditions:
Infantile-onset ascending hereditary spastic paralysis (IAHSP). Also called: Infantile-Onset Ascending Hereditary Spastic Paralysis (IAHSP); Autosomal Recessive Juvenile Amyotrophic Lateral Sclerosis. Identifiers: Orphanet 293168, MedGen C2931441, MONDO:0011797, OMIM 607225. Disease mechanism: loss of function.

Allele frequency attached by ClinVar (database versions not stated): gnomAD exomes below 0.00001; gnomAD 0.00001.
gnomAD v4.1: 8 of 1,614,018 alleles (0.0005%); highest among the groups gnomAD compares: Non-Finnish European, 0.00068%; no homozygotes.

Submission:

Labcorp Genetics (formerly Invitae), Labcorp
Classification: Uncertain significance for Infantile-onset ascending hereditary spastic paralysis. Last evaluated: 2021-10-14. Review status: criteria provided, single submitter. Criteria: Invitae Variant Classification Sherloc (09022015). Collection method: clinical testing. Allele origin: germline.
Comment: This sequence change replaces arginine with cysteine at codon 1032 of the ALS2 protein (p.Arg1032Cys). The arginine residue is highly conserved and there is a large physicochemical difference between arginine and cysteine. This variant is not present in population databases (ExAC no frequency). This missense change has been observed in individual(s) with clinical features of amyotrophic lateral sclerosis (PMID: 23881933). Algorithms developed to predict the effect of missense changes on protein structure and function (SIFT, PolyPhen-2, Align-GVGD) all suggest that this variant is likely to be disruptive. In summary, the available evidence is currently insufficient to determine the role of this variant in disease. Therefore, it has been classified as a Variant of Uncertain Significance.

Literature cited by the submitters: PubMed 23881933.